The following is an entry in ClinVar:

NM_006031.6(PCNT):c.538G>T (p.Glu180Ter)

Gene: PCNT (pericentrin; plus strand). Cytogenetic location: 21q22.3.
Variant type: single nucleotide variant.
Coding change: c.538G>T on transcript NM_006031.6 (MANE Select); coding-DNA position 538, G replaced by T.
Protein change: p.Glu180Ter; replaces glutamic acid 180 with a stop codon.
Molecular consequence: nonsense.
Genome position (GRCh38, 1-based): chr21:46,334,667, G>T. VCF-style: chr21-46334667-G-T. GRCh37 (hg19) VCF-style: chr21-47754581-G-T.
Other names: c.184G>T, p.Glu62Ter (NM_001315529.2); short protein forms E180*, E62*.
Identifiers: ClinVar variation 5019353 (VCV005019353.2).

ClinVar aggregate classification (germline): Likely pathogenic (1 of 4 stars; one submission).

Conditions:
Microcephalic osteodysplastic primordial dwarfism type II (MOPD2). Also called: MOPD II; OSTEODYSPLASTIC PRIMORDIAL DWARFISM, TYPE II; Microcephalic osteodysplastic primordial dwarfism with tooth abnormalities. Identifiers: Orphanet 2637, MedGen C0432246, MONDO:0008872, OMIM 210720.

Submission:

Juno Genomics, Hangzhou Juno Genomics, Inc
Classification: Likely pathogenic for Microcephalic osteodysplastic primordial dwarfism type II. Review status: criteria provided, single submitter. Criteria: ACMG Guidelines, 2015. Collection method: clinical testing. Allele origin: germline.
Comment: Absent from controls (or at extremely low frequency if recessive) in Genome Aggregation Database.;Null variant in a gene where loss of function (LOF) is a known mechanism of disease.